The following is an entry in ClinVar:

ClinVar aggregate classification (germline): Uncertain significance. Review status: criteria provided, multiple submitters, no conflicts (2 of 4 stars). 2 submissions from 2 submitters: Uncertain significance (2). Last evaluated 2025-02-07.

Conditions:
Tuberous sclerosis syndrome (TSC). Also called: Tuberous Sclerosis Complex; Tuberous sclerosis. Identifiers: Orphanet 805, MedGen C0041341, MONDO:0001734.
Tuberous sclerosis 1 (TSC1). Identifiers: Orphanet 805, MedGen C1854465, MONDO:0008612, OMIM 191100.

gnomAD v4.1: 1 of 1,614,188 alleles (0.000062%); highest among the groups gnomAD compares: Non-Finnish European, 0.000085%; no homozygotes.

Submissions (2):

Labcorp Genetics (formerly Invitae), Labcorp
Classification: Uncertain significance for Tuberous sclerosis 1. Last evaluated: 2025-02-07. Review status: criteria provided, single submitter. Criteria: Invitae Variant Classification Sherloc (09022015). Collection method: clinical testing. Allele origin: germline.
Comment: This sequence change replaces threonine, which is neutral and polar, with isoleucine, which is neutral and non-polar, at codon 635 of the TSC1 protein (p.Thr635Ile). This variant is not present in population databases (gnomAD no frequency). This variant has not been reported in the literature in individuals affected with TSC1-related conditions. ClinVar contains an entry for this variant (Variation ID: 3386145). Invitae Evidence Modeling of protein sequence and biophysical properties (such as structural, functional, and spatial information, amino acid conservation, physicochemical variation, residue mobility, and thermodynamic stability) indicates that this missense variant is not expected to disrupt TSC1 protein function with a negative predictive value of 95%. In summary, the available evidence is currently insufficient to determine the role of this variant in disease. Therefore, it has been classified as a Variant of Uncertain Significance.

All of Us Research Program, National Institutes of Health
Classification: Uncertain significance for Tuberous sclerosis syndrome. Last evaluated: 2024-02-22. Review status: criteria provided, single submitter. Criteria: ACMG Guidelines, 2015. Collection method: clinical testing. Allele origin: germline. Inheritance: Autosomal dominant inheritance. Observed: 1 variant allele, 1 heterozygote.
Comment: This missense variant replaces threonine with isoleucine at codon 635 of the TSC1 protein. Computational prediction suggests that this variant may not impact protein structure and function (internally defined REVEL score threshold <= 0.5, PMID: 27666373). To our knowledge, functional studies have not been reported for this variant. This variant has not been reported in individuals affected with TSC1-related disorders in the literature. This variant has not been identified in the general population by the Genome Aggregation Database (gnomAD). The available evidence is insufficient to determine the role of this variant in disease conclusively. Therefore, this variant is classified as a Variant of Uncertain Significance.

This study involves interpretation of variants in research participants for the purpose of population health screening. Participant phenotype was not available at the time of variant classification. Additional details can be found in publication PMID: 35346344, PMCID: PMC8962531

NM_000368.5(TSC1):c.1904C>T (p.Thr635Ile)

Gene: TSC1 (TSC complex subunit 1; minus strand). Cytogenetic location: 9q34.13.
Variant type: single nucleotide variant.
Coding change: c.1904C>T on transcript NM_000368.5 (MANE Select); coding-DNA position 1904, C replaced by T.
Protein change: p.Thr635Ile; replaces threonine 635 with isoleucine.
Molecular consequence: missense variant. On other transcripts: non-coding transcript variant (5).
Genome position (GRCh38, 1-based): chr9:132,905,674, G>A on the plus strand (C>T on the coding strand, the complement: TSC1 is on the minus strand). VCF-style: chr9-132905674-G-A. GRCh37 (hg19) VCF-style: chr9-135781061-G-A.
Other names: c.1901C>T, p.Thr634Ile (NM_001162426.2, NM_001406597.1, NM_001406598.1 and 6 more transcripts); c.1751C>T, p.Thr584Ile (NM_001162427.2, NM_001406610.1); c.1541C>T, p.Thr514Ile (NM_001362177.2, NM_001406614.1, NM_001406615.1 and 5 more transcripts); c.1904C>T, p.Thr635Ile (NM_001406592.1, NM_001406593.1, NM_001406594.1 and 7 more transcripts); c.851C>T, p.Thr284Ile (NM_001406629.1, NM_001406630.1); c.1748C>T, p.Thr583Ile (NM_001406611.1, NM_001406612.1, NM_001406613.1); c.1538C>T, p.Thr513Ile (NM_001406620.1, NM_001406621.1, NM_001406622.1 and 2 more transcripts); c.953C>T, p.Thr318Ile (NM_001406626.1); and 1 more; short protein forms T284I, T317I, T318I, T513I, T514I, T583I, T584I, T634I.
Identifiers: ClinVar variation 3386145 (VCV003386145.2).